The following is an entry in ClinVar:

NM_001161352.2(KCNMA1):c.132_143dup (p.Ser60_Val61insSerSerSerSer)

Gene: KCNMA1 (potassium calcium-activated channel subfamily M alpha 1; minus strand). Cytogenetic location: 10q22.3.
Variant type: Duplication.
Coding change: c.132_143dup on transcript NM_001161352.2 (MANE Select); coding-DNA positions 132 to 143, 12 bases duplicated (CTCCTCTTCCTC).
Protein change: p.Ser60_Val61insSerSerSerSer.
Molecular consequence: inframe insertion.
Genome position (GRCh38, 1-based): chr10:77,637,500-77,637,511, GAGGAAGAGGAG duplicated on the plus strand (CTCCTCTTCCTC on the coding strand, the reverse complement: KCNMA1 is on the minus strand); duplicating any 12 consecutive bases within chr10:77,637,500-77,637,516 gives the same sequence; the c. name uses the placement nearest the transcript's 3' end. VCF-style (leftmost placement, unchanged base first): chr10-77637499-A-AGAGGAAGAGGAG. GRCh37 (hg19) VCF-style: chr10-79397257-A-AGAGGAAGAGGAG.
Other names: c.132_143dup, p.Ser60_Val61insSerSerSerSer (NM_001014797.3, NM_001161353.2, NM_001271518.2 and 13 more transcripts).
Identifiers: ClinVar variation 2980337 (VCV002980337.3), dbSNP rs2552275383, ClinGen allele CA2609816155.

ClinVar aggregate classification (germline): Uncertain significance (1 of 4 stars; one submission).

Conditions:
Generalized epilepsy-paroxysmal dyskinesia syndrome (PNKD3). Also called: Generalized epilepsy and paroxysmal dyskinesia; Paroxysmal nonkinesigenic dyskinesia, 3, with or without generalized epilepsy. Identifiers: Orphanet 79137, MedGen C5574945, MONDO:0012276, OMIM 609446.

Submission:

Labcorp Genetics (formerly Invitae), Labcorp
Classification: Uncertain significance for Generalized epilepsy-paroxysmal dyskinesia syndrome. Last evaluated: 2023-04-12. Review status: criteria provided, single submitter. Criteria: Invitae Variant Classification Sherloc (09022015). Collection method: clinical testing. Allele origin: germline.
Comment: Experimental studies and prediction algorithms are not available or were not evaluated, and the functional significance of this variant is currently unknown. This variant has not been reported in the literature in individuals affected with KCNMA1-related conditions. This variant is not present in population databases (gnomAD no frequency). This variant, c.132_143dup, results in the insertion of 4 amino acid(s) of the KCNMA1 protein (p.Ser57_Ser60dup), but otherwise preserves the integrity of the reading frame. In summary, the available evidence is currently insufficient to determine the role of this variant in disease. Therefore, it has been classified as a Variant of Uncertain Significance.